The following is an entry in ClinVar:

NM_001369.3(DNAH5):c.13638C>G (p.Asp4546Glu)

Gene: DNAH5 (dynein axonemal heavy chain 5; minus strand). Cytogenetic location: 5p15.2.
Variant type: single nucleotide variant.
Coding change: c.13638C>G on transcript NM_001369.3 (MANE Select); coding-DNA position 13638, C replaced by G.
Protein change: p.Asp4546Glu; replaces aspartic acid 4546 with glutamic acid.
Molecular consequence: missense variant.
Genome position (GRCh38, 1-based): chr5:13,700,725, G>C on the plus strand (C>G on the coding strand, the complement: DNAH5 is on the minus strand). VCF-style: chr5-13700725-G-C. GRCh37 (hg19) VCF-style: chr5-13700834-G-C.
Other names: short protein forms D4546E.
Identifiers: ClinVar variation 1303413 (VCV001303413.2), dbSNP rs1741981670, ClinGen allele CA359191280.

ClinVar aggregate classification (germline): Uncertain significance (1 of 4 stars; one submission).

Submission:

GeneDx
Classification: Uncertain significance. Last evaluated: 2019-08-26. Review status: criteria provided, single submitter. Criteria: GeneDx Variant Classification Process June 2021. Collection method: clinical testing. Allele origin: germline. Affected: yes.
Comment: Not observed in large population cohorts (Lek et al., 2016); In silico analysis, which includes protein predictors and evolutionary conservation, supports a deleterious effect; Has not been previously published as pathogenic or benign to our knowledge